The following is an entry in ClinVar:

NC_000001.10:g.(?_11259295)_(11259780_?)del

Gene: MTOR (mechanistic target of rapamycin kinase; minus strand). Cytogenetic location: 1p36.22.
Variant type: Deletion.
Identifiers: ClinVar variation 1003854 (VCV001003854.7).

ClinVar aggregate classification (germline): Uncertain significance (1 of 4 stars; one submission).

Submission:

Labcorp Genetics (formerly Invitae), Labcorp
Classification: Uncertain significance. Last evaluated: 2018-03-07. Review status: criteria provided, single submitter. Criteria: Invitae Variant Classification Sherloc (09022015). Collection method: clinical testing. Allele origin: germline.
Comment: Experimental studies and prediction algorithms are not available for this variant, and the functional significance of the deleted amino acids is currently unknown. This variant is an in-frame deletion of the genomic region encompassing exons 27-28 of the MTOR gene. It preserves the integrity of the reading frame. This variant has not been reported in the literature in individuals with MTOR-related disease. In summary, the available evidence is currently insufficient to determine the role of this variant in disease. Therefore, it has been classified as a Variant of Uncertain Significance.